The following is an entry in ClinVar:

NM_018003.4(UACA):c.213-7del

Gene: UACA (uveal autoantigen with coiled-coil domains and ankyrin repeats; minus strand). Cytogenetic location: 15q23.
Variant type: Deletion.
Coding change: c.213-7del on transcript NM_018003.4 (MANE Select); 7 bases into the intron before coding-DNA position 213, one base deleted (T; older notation c.213-7delT).
Molecular consequence: intron variant.
Genome position (GRCh38, 1-based): chr15:70,695,112, A deleted on the plus strand (T on the coding strand, the reverse complement: UACA is on the minus strand); the first of 10 consecutive A bases (chr15:70,695,112-70,695,121); deleting any one gives the same sequence. VCF-style (leftmost placement, unchanged base first): chr15-70695111-CA-C. GRCh37 (hg19) VCF-style: chr15-70987450-CA-C.
Other names: NC_000015.9:g.70987460del; c.174-7del (NM_001008224.3); c.213-16del (NM_018003.4).
Identifiers: ClinVar variation 3056731 (VCV003056731.3), dbSNP rs534411044, ClinGen allele CA7637564.

ClinVar aggregate classification (germline): Likely benign (0 of 4 stars; one submission).

Conditions:
UACA-related disorder. Also called: UACA-related condition.

Submissions (5):

PreventionGenetics, part of Exact Sciences
Classification: Likely benign for UACA-related condition. Last evaluated: 2019-02-18. Review status: no assertion criteria provided. Collection method: clinical testing. Allele origin: germline.
Comment: This variant is classified as likely benign based on ACMG/AMP sequence variant interpretation guidelines (Richards et al. 2015 PMID: 25741868, with internal and published modifications).

Dr. Peter K. Rogan Lab, Western University
No classification provided (evidence only). Condition: Familial cancer of breast. Review status: no classification provided. Collection method: in vitro. Allele origin: not applicable. Functional consequence: retained intron. Not counted in ClinVar's aggregate classification.

Dr. Peter K. Rogan Lab, Western University
No classification provided (evidence only). Condition: Cholangiocarcinoma. Review status: no classification provided. Collection method: in vitro. Allele origin: not applicable. Functional consequence: retained intron. Not counted in ClinVar's aggregate classification.

Dr. Peter K. Rogan Lab, Western University
No classification provided (evidence only). Condition: Malignant lymphoma, large B-cell, diffuse. Review status: no classification provided. Collection method: in vitro. Allele origin: not applicable. Functional consequence: retained intron. Not counted in ClinVar's aggregate classification.

Dr. Peter K. Rogan Lab, Western University
No classification provided (evidence only). Condition: Uterine corpus endometrial carcinoma. Review status: no classification provided. Collection method: in vitro. Allele origin: not applicable. Functional consequence: retained intron. Not counted in ClinVar's aggregate classification.